The following is an entry in ClinVar:

NM_002029.4(FPR1):c.488G>A (p.Arg163His)

Gene: FPR1 (formyl peptide receptor 1; minus strand). Cytogenetic location: 19q13.41.
Variant type: single nucleotide variant.
Coding change: c.488G>A on transcript NM_002029.4 (MANE Select); coding-DNA position 488, G replaced by A.
Protein change: p.Arg163His; replaces arginine 163 with histidine.
Molecular consequence: missense variant.
Genome position (GRCh38, 1-based): chr19:51,746,507, C>T on the plus strand (G>A on the coding strand, the complement: FPR1 is on the minus strand). VCF-style: chr19-51746507-C-T. GRCh37 (hg19) VCF-style: chr19-52249760-C-T.
Other names: c.488G>A, p.Arg163His (NM_001193306.2); short protein forms R163H.
Identifiers: ClinVar variation 456367 (VCV000456367.17), dbSNP rs111768566, ClinGen allele CA9616453.
Genomic context (GRCh38, chr19:51,746,507, plus strand): 5'-CAGGGCGAAAAGTTAAAAGTGCAGGCTACTGTCCCCGTTTTACCAGGTACTGTAGTCACA[C>T]GAATGATAACTGGCAATGTGAGGAGCAGAGCCATCACCCAGGGCCCAATGATCACCTTCT-3'
Protein context (NP_002020.1, residues 153-173): ALLLTLPVII[Arg163His]VTTVPGKTGT

ClinVar aggregate classification (germline): Benign/Likely benign. Review status: criteria provided, multiple submitters, no conflicts (2 of 4 stars). 4 submissions from 4 submitters: Benign (2); Likely benign (1). 1 of the submissions does not count toward it. Last evaluated 2026-02-01.

Conditions:
Gingival disorder. Also called: Gingival disease. Identifiers: MedGen C0017563, MONDO:0002021.
FPR1-related disorder. Also called: FPR1-related condition.

Allele frequency attached by ClinVar (database versions not stated): ExAC 0.00382; gnomAD exomes 0.00414; 1000 Genomes Project 30x 0.00437; 1000 Genomes Project 0.00459; ESP Exome Variant Server 0.00569; gnomAD 0.00580 and 0.00604; TOPMed 0.00646.

Submissions (4):

Labcorp Genetics (formerly Invitae), Labcorp
Classification: Benign for Gingival disorder. Last evaluated: 2026-02-01. Review status: criteria provided, single submitter. Criteria: Invitae Variant Classification Sherloc (09022015). Collection method: clinical testing. Allele origin: germline.

Genomic Medicine Center of Excellence, King Faisal Specialist Hospital and Research Centre
Classification: Likely benign. Last evaluated: 2025-08-18. Review status: criteria provided, single submitter. Criteria: ACMG Guidelines, 2015. Collection method: clinical testing. Allele origin: germline.

Breakthrough Genomics
Classification: Benign. Review status: criteria provided, single submitter. Criteria: ACMG Guidelines, 2015. Collection method: not provided. Allele origin: germline. Inheritance: Unknown mechanism. Affected: yes.

PreventionGenetics, part of Exact Sciences
Classification: Likely benign for FPR1-related condition. Last evaluated: 2020-03-17. Review status: no assertion criteria provided. Collection method: clinical testing. Allele origin: germline. Not counted in ClinVar's aggregate classification.
Comment: This variant is classified as likely benign based on ACMG/AMP sequence variant interpretation guidelines (Richards et al. 2015 PMID: 25741868, with internal and published modifications).